The following is an entry in ClinVar:

NM_005739.4(RASGRP1):c.1548C>T (p.Leu516=)

Gene: RASGRP1 (RAS guanyl releasing protein 1; minus strand). Cytogenetic location: 15q14.
Variant type: single nucleotide variant.
Coding change: c.1548C>T on transcript NM_005739.4 (MANE Select); coding-DNA position 1548, C replaced by T.
Protein change: p.Leu516=; no amino-acid change (leucine 516 retained).
Molecular consequence: synonymous variant.
Genome position (GRCh38, 1-based): chr15:38,501,278, G>A on the plus strand (C>T on the coding strand, the complement: RASGRP1 is on the minus strand). VCF-style: chr15-38501278-G-A. GRCh37 (hg19) VCF-style: chr15-38793479-G-A.
Other names: c.1443C>T, p.Leu481= (NM_001128602.2, NM_001306086.2).
Identifiers: ClinVar variation 769409 (VCV000769409.46), dbSNP rs61759869, ClinGen allele CA7470826.

ClinVar aggregate classification (germline): Benign/Likely benign. Review status: criteria provided, multiple submitters, no conflicts (2 of 4 stars). 5 submissions from 5 submitters: Benign (2); Likely benign (2). 1 of the submissions does not count toward it. Last evaluated 2026-01-26.

Conditions:
RASGRP1-related disorder. Also called: RASGRP1-related condition.

Allele frequency attached by ClinVar (database versions not stated): 1000 Genomes Project 30x 0.00078; 1000 Genomes Project 0.00100; ExAC 0.00201; gnomAD exomes 0.00203 and 0.00426; gnomAD 0.00250 and 0.00257; TOPMed 0.00253; ESP Exome Variant Server 0.00269.
gnomAD v4.1: 6,687 of 1,613,032 alleles (0.41%); highest among the groups gnomAD compares: Non-Finnish European, 0.52%; 21 homozygotes.

Submissions (5):

Labcorp Genetics (formerly Invitae), Labcorp
Classification: Benign. Last evaluated: 2026-01-26. Review status: criteria provided, single submitter. Criteria: Invitae Variant Classification Sherloc (09022015). Collection method: clinical testing. Allele origin: germline.

CeGaT Center for Human Genetics Tuebingen
Classification: Likely benign. Last evaluated: 2025-05-01. Review status: criteria provided, single submitter. Criteria: CeGaT Center For Human Genetics Tuebingen Variant Classification Criteria Version 2. Collection method: clinical testing. Allele origin: germline. Affected: yes. Observed: 6 variant alleles.
Comment: RASGRP1: BP4, BP7, BS2

Blueprint Genetics
Classification: Likely benign. Last evaluated: 2024-11-25. Review status: criteria provided, single submitter. Criteria: ACMG Guidelines, 2015. Collection method: clinical testing. Allele origin: germline.

Genetic Services Laboratory, University of Chicago
Classification: Benign. Last evaluated: 2021-04-19. Review status: criteria provided, single submitter. Criteria: ACMG Guidelines, 2015. Collection method: clinical testing. Allele origin: germline. Affected: no.

PreventionGenetics, part of Exact Sciences
Classification: Likely benign for RASGRP1-related condition. Last evaluated: 2023-12-04. Review status: no assertion criteria provided. Collection method: clinical testing. Allele origin: germline. Not counted in ClinVar's aggregate classification.
Comment: This variant is classified as likely benign based on ACMG/AMP sequence variant interpretation guidelines (Richards et al. 2015 PMID: 25741868, with internal and published modifications).